The following is an entry in ClinVar:

ClinVar aggregate classification (germline): Uncertain significance. Review status: criteria provided, multiple submitters, no conflicts (2 of 4 stars). 2 submissions from 2 submitters: Uncertain significance (2). Last evaluated 2023-12-07.

Allele frequency attached by ClinVar (database versions not stated): ESP Exome Variant Server 0.00008.

Submissions (2):

Labcorp Genetics (formerly Invitae), Labcorp
Classification: Uncertain significance. Last evaluated: 2023-12-07. Review status: criteria provided, single submitter. Criteria: Invitae Variant Classification Sherloc (09022015). Collection method: clinical testing. Allele origin: germline.
Comment: This sequence change replaces arginine, which is basic and polar, with histidine, which is basic and polar, at codon 807 of the ADAM9 protein (p.Arg807His). This variant is present in population databases (rs147636313, gnomAD 0.006%). This variant has not been reported in the literature in individuals affected with ADAM9-related conditions. ClinVar contains an entry for this variant (Variation ID: 1913466). An algorithm developed to predict the effect of missense changes on protein structure and function (PolyPhen-2) suggests that this variant is likely to be disruptive. In summary, the available evidence is currently insufficient to determine the role of this variant in disease. Therefore, it has been classified as a Variant of Uncertain Significance.

Blueprint Genetics
Classification: Uncertain significance. Last evaluated: 2022-05-25. Review status: criteria provided, single submitter. Criteria: ACMG Guidelines, 2015. Collection method: clinical testing. Allele origin: germline.

NM_003816.3(ADAM9):c.2420G>A (p.Arg807His)

Gene: ADAM9 (ADAM metallopeptidase domain 9; plus strand). Cytogenetic location: 8p11.22.
Variant type: single nucleotide variant.
Coding change: c.2420G>A on transcript NM_003816.3 (MANE Select); coding-DNA position 2420, G replaced by A.
Protein change: p.Arg807His; replaces arginine 807 with histidine.
Molecular consequence: missense variant. On other transcripts: non-coding transcript variant (3).
Genome position (GRCh38, 1-based): chr8:39,103,660, G>A. VCF-style: chr8-39103660-G-A. GRCh37 (hg19) VCF-style: chr8-38961179-G-A.
Other names: short protein forms R807H.
Identifiers: ClinVar variation 1913466 (VCV001913466.6), dbSNP rs147636313, ClinGen allele CA4721913.